The following is an entry in ClinVar:

ClinVar aggregate classification (germline): Uncertain significance (1 of 4 stars; one submission).

Allele frequency attached by ClinVar (database versions not stated): gnomAD exomes below 0.00001; TOPMed below 0.00001; gnomAD 0.00001.
gnomAD v4.1: 2 of 1,614,014 alleles (0.00012%); highest among the groups gnomAD compares: Non-Finnish European, 0.00017%; no homozygotes.

Submission:

Labcorp Genetics (formerly Invitae), Labcorp
Classification: Uncertain significance. Last evaluated: 2022-10-30. Review status: criteria provided, single submitter. Criteria: Invitae Variant Classification Sherloc (09022015). Collection method: clinical testing. Allele origin: germline.
Comment: This sequence change falls in intron 1 of the TMCO1 gene. It does not directly change the encoded amino acid sequence of the TMCO1 protein. It affects a nucleotide within the consensus splice site. This variant is not present in population databases (gnomAD no frequency). In summary, the available evidence is currently insufficient to determine the role of this variant in disease. Therefore, it has been classified as a Variant of Uncertain Significance. Variants that disrupt the consensus splice site are a relatively common cause of aberrant splicing (PMID: 17576681, 9536098). Algorithms developed to predict the effect of sequence changes on RNA splicing suggest that this variant may disrupt the consensus splice site. This variant has not been reported in the literature in individuals affected with TMCO1-related conditions.

Literature cited by the submitters: PubMed 17576681; PubMed 9536098.

NM_019026.6(TMCO1):c.70+5G>C

Gene: TMCO1 (transmembrane and coiled-coil domains 1; minus strand). Cytogenetic location: 1q24.1.
Variant type: single nucleotide variant.
Coding change: c.70+5G>C on transcript NM_019026.6 (MANE Select); 5 bases into the intron after coding-DNA position 70, G replaced by C.
Molecular consequence: intron variant. On other transcripts: 5 prime UTR variant (1).
Genome position (GRCh38, 1-based): chr1:165,768,677, C>G on the plus strand (G>C on the coding strand, the complement: TMCO1 is on the minus strand). VCF-style: chr1-165768677-C-G. GRCh37 (hg19) VCF-style: chr1-165737914-C-G.
Other names: c.-162G>C (NM_001256165.1); c.146+82G>C (NM_001256164.1).
Identifiers: ClinVar variation 1986323 (VCV001986323.4), dbSNP rs1230704450, ClinGen allele CA421468608.